The following is an entry in ClinVar:

NM_004333.6(BRAF):c.107C>G (p.Ser36Cys)

Gene: BRAF (B-Raf proto-oncogene, serine/threonine kinase; minus strand). Cytogenetic location: 7q34.
Variant type: single nucleotide variant.
Coding change: c.107C>G on transcript NM_004333.6 (MANE Select); coding-DNA position 107, C replaced by G.
Protein change: p.Ser36Cys; replaces serine 36 with cysteine.
Molecular consequence: missense variant.
Genome position (GRCh38, 1-based): chr7:140,924,597, G>C on the plus strand (C>G on the coding strand, the complement: BRAF is on the minus strand). VCF-style: chr7-140924597-G-C. GRCh37 (hg19) VCF-style: chr7-140624397-G-C.
Other names: c.107C>G, p.Ser36Cys (NM_001354609.2, NM_001374244.1, NM_001374258.1 and 7 more transcripts); short protein forms S36C.
Identifiers: ClinVar variation 3383604 (VCV003383604.1).

ClinVar aggregate classification (germline): Uncertain significance (1 of 4 stars; one submission).

gnomAD v4.1: 3 of 1,529,854 alleles (0.0002%); highest among the groups gnomAD compares: Non-Finnish European, 0.00026%; no homozygotes.

Submission:

GeneDx
Classification: Uncertain significance. Last evaluated: 2024-05-28. Review status: criteria provided, single submitter. Criteria: GeneDx Variant Classification Process June 2021. Collection method: clinical testing. Allele origin: germline. Affected: yes.
Comment: Identified in an individual with hypertrophic cardiomyopathy in published literature (PMID: 22589294); Not observed at significant frequency in large population cohorts (gnomAD); Missense variants in this gene are a common cause of disease and they are underrepresented in the general population; In silico analysis indicates that this missense variant does not alter protein structure/function; This variant is associated with the following publications: (PMID: 22589294)